The following is an entry in ClinVar:

NM_138409.4(MRAP2):c.44C>T (p.Ser15Leu)

Gene: MRAP2 (melanocortin 2 receptor accessory protein 2; plus strand). Cytogenetic location: 6q14.2.
Variant type: single nucleotide variant.
Coding change: c.44C>T on transcript NM_138409.4 (MANE Select); coding-DNA position 44, C replaced by T.
Protein change: p.Ser15Leu; replaces serine 15 with leucine.
Molecular consequence: missense variant. On other transcripts: 5 prime UTR variant (2).
Genome position (GRCh38, 1-based): chr6:84,055,362, C>T. VCF-style: chr6-84055362-C-T. GRCh37 (hg19) VCF-style: chr6-84765081-C-T.
Other names: c.-115C>T (NM_001346541.2); c.44C>T, p.Ser15Leu (NM_001346542.2, NM_001346544.2); c.-216C>T (NM_001346543.2); c.44C>T (NM_138409.2, NM_138409.3); short protein forms S15L.
Identifiers: ClinVar variation 1397756 (VCV001397756.8), dbSNP rs760845706, ClinGen allele CA3909542.

ClinVar aggregate classification (germline): Uncertain significance. Review status: criteria provided, multiple submitters, no conflicts (2 of 4 stars). 3 submissions from 3 submitters: Uncertain significance (3). Last evaluated 2026-07-01.

Conditions:
MRAP2-related disorder. Also called: MRAP2-related condition.

Allele frequency attached by ClinVar (database versions not stated): gnomAD 0.00002; gnomAD exomes 0.00003 and 0.00006; TOPMed 0.00003; ExAC 0.00007.
gnomAD v4.1: 46 of 1,613,592 alleles (0.0029%); highest among the groups gnomAD compares: Admixed American, 0.018%; no homozygotes.

Submissions (3):

PreventionGenetics, part of Exact Sciences
Classification: Uncertain significance for MRAP2-related condition. Last evaluated: 2026-07-01. Review status: criteria provided, single submitter. Criteria: ACMG Guidelines, 2015. Collection method: clinical testing. Allele origin: germline.
Comment: The MRAP2 c.44C>T variant is predicted to result in the amino acid substitution p.Ser15Leu. This variant has been reported in an individual with obesity (AbouHashem et al. 2022. PubMed ID: 35026759). This variant is reported in 0.060% of alleles in individuals of Ashkenazi Jewish descent in gnomAD. Although we suspect that this variant may be benign, at this time, the clinical significance of this variant is uncertain due to the absence of conclusive functional and genetic evidence.

Labcorp Genetics (formerly Invitae), Labcorp
Classification: Uncertain significance. Last evaluated: 2025-01-08. Review status: criteria provided, single submitter. Criteria: Invitae Variant Classification Sherloc (09022015). Collection method: clinical testing. Allele origin: germline.
Comment: This sequence change replaces serine, which is neutral and polar, with leucine, which is neutral and non-polar, at codon 15 of the MRAP2 protein (p.Ser15Leu). This variant is present in population databases (rs760845706, gnomAD 0.04%). This variant has not been reported in the literature in individuals affected with MRAP2-related conditions. ClinVar contains an entry for this variant (Variation ID: 1397756). An algorithm developed to predict the effect of missense changes on protein structure and function outputs the following: PolyPhen-2: "Benign". The leucine amino acid residue is found in multiple mammalian species, which suggests that this missense change does not adversely affect protein function. In summary, the available evidence is currently insufficient to determine the role of this variant in disease. Therefore, it has been classified as a Variant of Uncertain Significance.

Ambry Genetics
Classification: Uncertain significance. Last evaluated: 2021-08-12. Review status: criteria provided, single submitter. Criteria: Ambry Variant Classification Scheme 2023. Collection method: clinical testing. Allele origin: germline.